The following is an entry in ClinVar:

ClinVar aggregate classification (germline): Benign/Likely benign. Review status: criteria provided, multiple submitters, no conflicts (2 of 4 stars). 3 submissions from 3 submitters: Benign (2); Likely benign (1). Last evaluated 2023-02-01.

Allele frequency attached by ClinVar (database versions not stated): gnomAD exomes 0.00042 and 0.00122; ExAC 0.00121; ESP Exome Variant Server 0.00238; gnomAD 0.00244 and 0.00248; TOPMed 0.00257; 1000 Genomes Project 0.00559; 1000 Genomes Project 30x 0.00609.
gnomAD v4.1: 1,054 of 1,614,158 alleles (0.065%); highest among the groups gnomAD compares: African/African-American, 0.76%; 6 homozygotes.

Submissions (3):

CeGaT Center for Human Genetics Tuebingen
Classification: Likely benign. Last evaluated: 2023-02-01. Review status: criteria provided, single submitter. Criteria: CeGaT Center For Human Genetics Tuebingen Variant Classification Criteria Version 2. Collection method: clinical testing. Allele origin: germline. Affected: yes. Observed: 1 variant allele.
Comment: CGN: BP4, BP7

Labcorp Genetics (formerly Invitae), Labcorp
Classification: Benign. Last evaluated: 2018-04-04. Review status: criteria provided, single submitter. Criteria: Invitae Variant Classification Sherloc (09022015). Collection method: clinical testing. Allele origin: germline.

Breakthrough Genomics
Classification: Benign. Review status: criteria provided, single submitter. Criteria: ACMG Guidelines, 2015. Collection method: not provided. Allele origin: germline. Inheritance: Unknown mechanism. Affected: yes.

NM_020770.3(CGN):c.1071C>T (p.Ala357=)

Gene: CGN (cingulin; plus strand). Cytogenetic location: 1q21.3.
Variant type: single nucleotide variant.
Coding change: c.1071C>T on transcript NM_020770.3 (MANE Select); coding-DNA position 1071, C replaced by T.
Protein change: p.Ala357=; no amino-acid change (alanine 357 retained).
Molecular consequence: synonymous variant.
Genome position (GRCh38, 1-based): chr1:151,520,622, C>T. VCF-style: chr1-151520622-C-T. GRCh37 (hg19) VCF-style: chr1-151493098-C-T.
Identifiers: ClinVar variation 715850 (VCV000715850.28), dbSNP rs141884525, ClinGen allele CA1092025.